The following is an entry in ClinVar:

NM_006612.6(KIF1C):c.487C>T (p.Arg163Trp)

Gene: KIF1C (kinesin family member 1C; plus strand). Cytogenetic location: 17p13.2.
Variant type: single nucleotide variant.
Coding change: c.487C>T on transcript NM_006612.6 (MANE Select); coding-DNA position 487, C replaced by T.
Protein change: p.Arg163Trp; replaces arginine 163 with tryptophan.
Molecular consequence: missense variant.
Genome position (GRCh38, 1-based): chr17:5,002,521, C>T. VCF-style: chr17-5002521-C-T. GRCh37 (hg19) VCF-style: chr17-4905816-C-T.
Other names: short protein forms R163W.
Identifiers: ClinVar variation 1927690 (VCV001927690.5), dbSNP rs780907252, ClinGen allele CA8318583.

ClinVar aggregate classification (germline): Uncertain significance (1 of 4 stars; one submission).

Conditions:
Spastic ataxia 2. Also called: Ataxia, spastic, 2, autosomal recessive. Identifiers: Orphanet 397946, MedGen C1969796, MONDO:0012651, OMIM 611302.

Allele frequency attached by ClinVar (database versions not stated): gnomAD exomes below 0.00001; ExAC 0.00001.

Submission:

Labcorp Genetics (formerly Invitae), Labcorp
Classification: Uncertain significance for Spastic ataxia 2. Last evaluated: 2022-05-16. Review status: criteria provided, single submitter. Criteria: Invitae Variant Classification Sherloc (09022015). Collection method: clinical testing. Allele origin: germline.
Comment: In summary, the available evidence is currently insufficient to determine the role of this variant in disease. Therefore, it has been classified as a Variant of Uncertain Significance. Algorithms developed to predict the effect of missense changes on protein structure and function (SIFT, PolyPhen-2, Align-GVGD) all suggest that this variant is likely to be disruptive. This variant has not been reported in the literature in individuals affected with KIF1C-related conditions. This variant is not present in population databases (gnomAD no frequency). This sequence change replaces arginine, which is basic and polar, with tryptophan, which is neutral and slightly polar, at codon 163 of the KIF1C protein (p.Arg163Trp).